The following is an entry in ClinVar:

ClinVar aggregate classification (germline): Uncertain significance (1 of 4 stars; one submission).

Conditions:
Familial thoracic aortic aneurysm and aortic dissection (TAAD). Also called: Thoracic aortic aneurysms and dissections. Identifiers: Orphanet 91387, MedGen C4707243, MONDO:0019625.

Submission:

Ambry Genetics
Classification: Uncertain significance for Familial thoracic aortic aneurysm and aortic dissection. Last evaluated: 2024-09-23. Review status: criteria provided, single submitter. Criteria: Ambry Variant Classification Scheme 2023. Collection method: clinical testing. Allele origin: germline.
Comment: The p.A318T variant (also known as c.952G>A), located in coding exon 8 of the PRKG1 gene, results from a G to A substitution at nucleotide position 952. The alanine at codon 318 is replaced by threonine, an amino acid with similar properties. This amino acid position is conserved. In addition, this alteration is predicted to be deleterious by in silico analysis. Based on the available evidence, the clinical significance of this variant remains unclear.

NM_006258.4(PRKG1):c.952G>A (p.Ala318Thr)

Gene: PRKG1 (protein kinase cGMP-dependent 1; plus strand). Cytogenetic location: 10q21.1.
Variant type: single nucleotide variant.
Coding change: c.952G>A on transcript NM_006258.4 (MANE Select); coding-DNA position 952, G replaced by A.
Protein change: p.Ala318Thr; replaces alanine 318 with threonine.
Molecular consequence: missense variant. On other transcripts: 5 prime UTR variant (1).
Genome position (GRCh38, 1-based): chr10:52,133,856, G>A. VCF-style: chr10-52133856-G-A. GRCh37 (hg19) VCF-style: chr10-53893616-G-A.
Other names: c.907G>A, p.Ala303Thr (NM_001098512.3); c.-258G>A (NM_001374781.1); short protein forms A303T, A318T.
Identifiers: ClinVar variation 3425430 (VCV003425430.1).